The following is an entry in ClinVar:

NM_015346.4(ZFYVE26):c.2451_2452insGTCTATAGGAGCTTGTGTTTTGCTGTAGAAGGAGCAGCAGGTGTCATAGTTATTCATTATCCTCTGTCTCTAACTACACAGATCTTGGCTGTCAAGCCAACTTCACACTTCCTACTCTATAAGGAGCTGATAATTGACTTTCTCTCTTCTTCCCAATACCTGTAGATGGCCGAGACTACAGG (p.His818delinsValTyrArgSerLeuCysPheAlaValGluGlyAlaAlaGlyValIleValIleHisTyrProLeuSerLeuThrThrGlnIleLeuAlaValLysProThrSerHisPheLeuLeuTyrLysGluLeuIleIleAspPheLeuSerSerSerGlnTyrLeuTer)

Gene: ZFYVE26 (zinc finger FYVE-type containing 26; minus strand). Cytogenetic location: 14q24.1.
Variant type: Insertion.
Coding change: c.2451_2452insGTCTATAGGAGCTTGTGTTTTGCTGTAGAAGGAGCAGCAGGTGTCATAGTTATTCATTATCCTCTGTCTCTAACTACACAGATCTTGGCTGTCAAGCCAACTTCACACTTCCTACTCTATAAGGAGCTGATAATTGACTTTCTCTCTTCTTCCCAATACCTGTAGATGGCCGAGACTACAGG on transcript NM_015346.4 (MANE Select); coding-DNA positions 2451 to 2452, GTCTATAGGAGCTTGTGTTTTGCTGTAGAAGGAGCAGCAGGTGTCATAGTTATTCATTATCCTCTGTCTCTAACTACACAGATCTTGGCTGTCAAGCCAACTTCACACTTCCTACTCTATAAGGAGCTGATAATTGACTTTCTCTCTTCTTCCCAATACCTGTAGATGGCCGAGACTACAGG inserted.
Protein change: p.His818delinsValTyrArgSerLeuCysPheAlaValGluGlyAlaAlaGlyValIleValIleHisTyrProLeuSerLeuThrThrGlnIleLeuAlaValLysProThrSerHisPheLeuLeuTyrLysGluLeuIleIleAspPheLeuSerSerSerGlnTyrLeuTer.
Molecular consequence: nonsense.
Genome position: GRCh38: chr14:67,793,710-67,793,711. GRCh37 (hg19): chr14:68,260,427-68,260,428.
Identifiers: ClinVar variation 2131543 (VCV002131543.4), dbSNP rs2502842708, ClinGen allele CA2580088685.

ClinVar aggregate classification (germline): Pathogenic (1 of 4 stars; one submission).

Conditions:
Spastic paraplegia. Identifiers: MedGen C0037772, HP:0001258.

Submission:

Labcorp Genetics (formerly Invitae), Labcorp
Classification: Pathogenic for Spastic paraplegia. Last evaluated: 2022-04-28. Review status: criteria provided, single submitter. Criteria: Invitae Variant Classification Sherloc (09022015). Collection method: clinical testing. Allele origin: germline.
Comment: This sequence change inserts a large fragment of DNA, likely a transposable element, in exon 14 of the ZFYVE26 gene (c.2451_2452ins?), causing a frameshift at codon 818 (p.His818fs). The exact size and sequence of the insertion cannot be determined by the current assay. However, the insertion is expected to result in an absent or disrupted protein product. This variant is not present in population databases (gnomAD no frequency). This variant has not been reported in the literature in individuals affected with ZFYVE26-related conditions. For these reasons, this variant has been classified as Pathogenic. Retrotransposon insertions including LINE1 (L1), Alu, and SVA (SINE-VNTR-Alu) have been reported to be disease-causing through disruption of either a coding region or splice site (PMID: 19763152, 20307669, 22406018) and loss-of-function variants in ZFYVE26 are known to be pathogenic (PMID: 18394578, 19805727). Algorithms developed to predict the effect of sequence changes on RNA splicing suggest that this variant may disrupt the consensus splice site.

Literature cited by the submitters: PubMed 19763152; PubMed 20307669; PubMed 22406018; PubMed 18394578; PubMed 19805727.